The following is an entry in ClinVar:

ClinVar aggregate classification (germline): Uncertain significance (1 of 4 stars; one submission).

Conditions:
Familial thoracic aortic aneurysm and aortic dissection (TAAD). Also called: Thoracic aortic aneurysms and dissections. Identifiers: Orphanet 91387, MedGen C4707243, MONDO:0019625.

Submission:

Ambry Genetics
Classification: Uncertain significance for Familial thoracic aortic aneurysm and aortic dissection. Last evaluated: 2023-08-31. Review status: criteria provided, single submitter. Criteria: Ambry Variant Classification Scheme 2023. Collection method: clinical testing. Allele origin: germline.
Comment: The p.P2097L variant (also known as c.6290C>T), located in coding exon 34 of the NOTCH1 gene, results from a C to T substitution at nucleotide position 6290. The proline at codon 2097 is replaced by leucine, an amino acid with similar properties. This amino acid position is highly conserved in available vertebrate species. In addition, this alteration is predicted to be deleterious by in silico analysis. Since supporting evidence is limited at this time, the clinical significance of this alteration remains unclear.

NM_017617.5(NOTCH1):c.6290C>T (p.Pro2097Leu)

Gene: NOTCH1 (notch receptor 1; minus strand). Cytogenetic location: 9q34.3.
Variant type: single nucleotide variant.
Coding change: c.6290C>T on transcript NM_017617.5 (MANE Select); coding-DNA position 6290, C replaced by T.
Protein change: p.Pro2097Leu; replaces proline 2097 with leucine.
Molecular consequence: missense variant.
Genome position (GRCh38, 1-based): chr9:136,497,449, G>A on the plus strand (C>T on the coding strand, the complement: NOTCH1 is on the minus strand). VCF-style: chr9-136497449-G-A. GRCh37 (hg19) VCF-style: chr9-139391901-G-A.
Other names: short protein forms P2097L.
Identifiers: ClinVar variation 2586755 (VCV002586755.2), dbSNP rs2133319196, ClinGen allele CA375632053.